The following is an entry in ClinVar:

ClinVar aggregate classification (germline): Uncertain significance (1 of 4 stars; one submission).

Allele frequency attached by ClinVar (database versions not stated): gnomAD exomes below 0.00001.
gnomAD v4.1: 1 of 1,614,070 alleles (0.000062%); highest among the groups gnomAD compares: Non-Finnish European, 0.000085%; no homozygotes.

Submission:

Labcorp Genetics (formerly Invitae), Labcorp
Classification: Uncertain significance. Last evaluated: 2022-08-01. Review status: criteria provided, single submitter. Criteria: Invitae Variant Classification Sherloc (09022015). Collection method: clinical testing. Allele origin: germline.
Comment: Algorithms developed to predict the effect of missense changes on protein structure and function (SIFT, PolyPhen-2, Align-GVGD) all suggest that this variant is likely to be disruptive. In summary, the available evidence is currently insufficient to determine the role of this variant in disease. Therefore, it has been classified as a Variant of Uncertain Significance. This variant has not been reported in the literature in individuals affected with LAMB1-related conditions. This variant is not present in population databases (gnomAD no frequency). This sequence change replaces proline, which is neutral and non-polar, with serine, which is neutral and polar, at codon 648 of the LAMB1 protein (p.Pro648Ser).

NM_002291.3(LAMB1):c.1942C>T (p.Pro648Ser)

Gene: LAMB1 (laminin subunit beta 1; minus strand). Cytogenetic location: 7q31.1.
Variant type: single nucleotide variant.
Coding change: c.1942C>T on transcript NM_002291.3 (MANE Select); coding-DNA position 1942, C replaced by T.
Protein change: p.Pro648Ser; replaces proline 648 with serine.
Molecular consequence: missense variant.
Genome position (GRCh38, 1-based): chr7:107,961,592, G>A on the plus strand (C>T on the coding strand, the complement: LAMB1 is on the minus strand). VCF-style: chr7-107961592-G-A. GRCh37 (hg19) VCF-style: chr7-107602037-G-A.
Other names: short protein forms P648S.
Identifiers: ClinVar variation 1714689 (VCV001714689.5), dbSNP rs2033502766, ClinGen allele CA368869915.